The following is an entry in ClinVar:

ClinVar aggregate classification (germline): Uncertain significance. Review status: criteria provided, multiple submitters, no conflicts (2 of 4 stars). 4 submissions from 4 submitters: Uncertain significance (4). Last evaluated 2024-08-30.

Conditions:
Wilson disease (WND). Also called: Wilson's disease. Identifiers: Orphanet 905, MedGen C0019202, MONDO:0010200, OMIM 277900. Disease mechanism: loss of function.

Allele frequency attached by ClinVar (database versions not stated): ESP Exome Variant Server 0.00008; ExAC 0.00001; gnomAD 0.00002; TOPMed 0.00003; gnomAD exomes 0.00007.
gnomAD v4.1: 101 of 1,614,124 alleles (0.0063%); highest among the groups gnomAD compares: Non-Finnish European, 0.0085%; no homozygotes.

Submissions (4):

GeneDx
Classification: Uncertain significance. Last evaluated: 2024-08-30. Review status: criteria provided, single submitter. Criteria: GeneDx Variant Classification Process June 2021. Collection method: clinical testing. Allele origin: germline. Affected: yes.
Comment: Not observed at significant frequency in large population cohorts (gnomAD); In silico analysis supports that this missense variant does not alter protein structure/function; Has not been previously published as pathogenic or benign to our knowledge

Mayo Clinic Laboratories, Mayo Clinic
Classification: Uncertain significance. Last evaluated: 2023-08-30. Review status: criteria provided, single submitter. Criteria: ACMG Guidelines, 2015. Collection method: clinical testing. Allele origin: germline. Observed: 1 variant allele.
Comment: BP4

Color Diagnostics, LLC DBA Color Health
Classification: Uncertain significance for Wilson disease. Last evaluated: 2023-04-06. Review status: criteria provided, single submitter. Criteria: ACMG Guidelines, 2015. Collection method: clinical testing. Allele origin: germline.
Comment: This missense variant replaces glycine with glutamic acid at codon 13 of the ATP7B protein. Computational prediction suggests that this variant may not impact protein structure and function. To our knowledge, functional studies have not been reported for this variant. This variant has not been reported in individuals affected with ATP7B-related disorders in the literature. This variant has been identified in 7/280814 chromosomes in the general population by the Genome Aggregation Database (gnomAD). The available evidence is insufficient to determine the role of this variant in disease conclusively. Therefore, this variant is classified as a Variant of Uncertain Significance.

CeGaT Center for Human Genetics Tuebingen
Classification: Uncertain significance. Last evaluated: 2022-12-01. Review status: criteria provided, single submitter. Criteria: CeGaT Center For Human Genetics Tuebingen Variant Classification Criteria Version 2. Collection method: clinical testing. Allele origin: germline. Affected: yes. Observed: 1 variant allele.
Comment: ATP7B: PM2

NM_000053.4(ATP7B):c.38G>A (p.Gly13Glu)

Gene: ATP7B (ATPase copper transporting beta; minus strand). Cytogenetic location: 13q14.3.
Variant type: single nucleotide variant.
Coding change: c.38G>A on transcript NM_000053.4 (MANE Select); coding-DNA position 38, G replaced by A.
Protein change: p.Gly13Glu; replaces glycine 13 with glutamic acid.
Molecular consequence: missense variant. On other transcripts: 5 prime UTR variant (3).
Genome position (GRCh38, 1-based): chr13:52,011,300, C>T on the plus strand (G>A on the coding strand, the complement: ATP7B is on the minus strand). VCF-style: chr13-52011300-C-T. GRCh37 (hg19) VCF-style: chr13-52585436-C-T.
Other names: p.Gly13Glu; c.38G>A, p.Gly13Glu (NM_001406511.1, NM_001406512.1, NM_001406513.1 and 30 more transcripts); c.-150G>A (NM_001406518.1); c.38G>A (NM_000053.3); c.-92G>A (NM_001406539.1, NM_001406543.1); short protein forms G13E.
Identifiers: ClinVar variation 2643823 (VCV002643823.27), dbSNP rs371758114, ClinGen allele CA6989712.